The following is an entry in ClinVar:

NM_020247.5(COQ8A):c.1806dup (p.Pro603fs)

Gene: COQ8A (coenzyme Q8A; plus strand). Cytogenetic location: 1q42.13.
Variant type: Duplication.
Coding change: c.1806dup on transcript NM_020247.5 (MANE Select); coding-DNA position 1806, one base duplicated (A; older notation c.1806dupA).
Protein change: p.Pro603fs; shifts the reading frame from proline 603.
Molecular consequence: frameshift variant.
Genome position (GRCh38, 1-based): chr1:226,986,599, A duplicated. VCF-style (leftmost placement, unchanged base first): chr1-226986598-C-CA. GRCh37 (hg19) VCF-style: chr1-227174299-C-CA.
Other names: c.1806dupA (NM_020247.4); short protein forms P603fs.
Identifiers: ClinVar variation 2445844 (VCV002445844.4), dbSNP rs2528412539, ClinGen allele CA2580062255.
Genomic context (GRCh38, chr1:226,986,598, plus strand): 5'-GCACCACCGAGAAGATCCACAACCTGATTCCCGTCATGCTGAGGCACCGTCTCGTCCCCC[C>CA]ACCCGAGGAAACCTACTCCCTGCACAGGAAGATGGGGGGCTCCTTCCTCATCTGCTCCAA-3'

ClinVar aggregate classification (germline): Conflicting classifications of pathogenicity. Review status: criteria provided, conflicting classifications (1 of 4 stars). 2 submissions from 2 submitters: Pathogenic (1); Uncertain significance (1). Last evaluated 2023-02-02.

Submissions (2):

Women's Health and Genetics/Laboratory Corporation of America, LabCorp
Classification: Uncertain significance. Last evaluated: 2023-02-02. Review status: criteria provided, single submitter. Criteria: LabCorp Variant Classification Summary - May 2015. Collection method: clinical testing. Allele origin: germline.
Comment: Variant summary: CABC1/COQ8A c.1806dupA (p.Pro603ThrfsX127) causes a frameshift which disrupts the last 45 amino acids of the encoded protein sequence and results in an extension of the protein. The variant was absent in 251458 control chromosomes (gnomAD). To our knowledge, no occurrence of c.1806dupA in individuals affected with autosomal recessive ataxia due to ubiquinone deficiency and no experimental evidence demonstrating its impact on protein function have been reported. However, several variants located downstream of this position (Pro603) have been classified as pathogenic/likely pathogenic in ClinVar and have been associated with a cerebellar ataxia phenotype in patients (HGMD database), suggesting that this region may be important for protein function. No clinical diagnostic laboratories have submitted clinical-significance assessments for this variant to ClinVar after 2014. Based on the evidence outlined above, the variant was classified as VUS-possibly pathogenic.

Labcorp Genetics (formerly Invitae), Labcorp
Classification: Pathogenic. Last evaluated: 2022-11-06. Review status: criteria provided, single submitter. Criteria: Invitae Variant Classification Sherloc (09022015). Collection method: clinical testing. Allele origin: germline.
Comment: For these reasons, this variant has been classified as Pathogenic. This variant disrupts a region of the COQ8A protein in which other variant(s) (p.Ser608Phe) have been determined to be pathogenic (PMID: 30968303). This suggests that this is a clinically significant region of the protein, and that variants that disrupt it are likely to be disease-causing. This variant has not been reported in the literature in individuals affected with COQ8A-related conditions. This variant is not present in population databases (gnomAD no frequency). This sequence change results in a frameshift in the COQ8A gene (p.Pro603Thrfs*127). While this is not anticipated to result in nonsense mediated decay, it is expected to disrupt the last 45 amino acid(s) of the COQ8A protein and extend the protein by 81 additional amino acid residues.

Literature cited by the submitters: PubMed 30968303 (cited by Labcorp Genetics (formerly Invitae), Labcorp).